The following is an entry in ClinVar:

ClinVar aggregate classification (germline): Likely pathogenic. Review status: reviewed by expert panel (3 of 4 stars). 4 submissions from 4 submitters: Likely pathogenic (1). 3 of the submissions do not count toward it. Last evaluated 2018-12-10.

Conditions:
Phenylketonuria (PKU). Also called: Phenylketonuria (PKU); FOLLING DISEASE; OLIGOPHRENIA PHENYLPYRUVICA; Phenylketonurias. Identifiers: Orphanet 716, MedGen C0031485, MONDO:0009861, OMIM 261600. Disease mechanism: loss of function.

gnomAD v4.1: 1 of 1,613,960 alleles (0.000062%); highest among the groups gnomAD compares: East Asian, 0.0022%; no homozygotes.

Submissions (4):

ClinGen PAH Variant Curation Expert Panel
Classification: Likely pathogenic for Phenylketonuria. Last evaluated: 2018-12-10. Review status: reviewed by expert panel. Criteria: ClinGen PAH ACMG Specifications v1. Collection method: curation. Allele origin: germline. Inheritance: Autosomal recessive inheritance.
Comment: The c.827T>G (p.Met276Arg) variant in PAH is absent from population databases and predicted damaging by in silico models. It is a novel missense change at an amino acid residue where different pathogenic missense changes have been reported (p.Met276Val is LP in ClinVar, p.Met276Lys is LP via PAH EP). It has been reported in individuals with phenylkeonuria in the literature, although a defect in the metabolism of BH4 has not been excluded as a cause for elevated phenylalanine in any of these patients (PMID: 23932990, 15300621). In summary, this variant meets criteria to be classified as likely pathogenic for PAH. PAH-specific ACMG/AMP criteria applied: PP4, PM2, PM5, PP3.

Women's Health and Genetics/Laboratory Corporation of America, LabCorp
Classification: Pathogenic for Phenylketonuria. Last evaluated: 2023-08-08. Review status: criteria provided, single submitter. Criteria: LabCorp Variant Classification Summary - May 2015. Collection method: clinical testing. Allele origin: germline. Not counted in ClinVar's aggregate classification.
Comment: Variant summary: PAH c.827T>G (p.Met276Arg) results in a non-conservative amino acid change located in the aromatic amino acid hydroxylase, C-terminal domain (IPR019774) of the encoded protein sequence. Four of five in-silico tools predict a damaging effect of the variant on protein function. The variant was absent in 251352 control chromosomes (gnomAD). c.827T>G has been reported in the literature in individuals affected with Phenylalanine Hydroxylase Deficiency (Phenylketonuria) (examples: Li_2018, Wang_2018, Hillert_2020 and Hyperphenylalaninemia (Shao_PAH_CCA_2021 ). These data indicate that the variant is likely to be associated with disease. Other variants affecting this codon have been classified pathogenic in ClinVar suggesting this may be a functionally important residue (CV IDs 2152159, 102855, 102856). The following publications have been ascertained in the context of this evaluation (PMID: 15300621, 26503515, 34653385, 29499199, 32668217). ClinGen PAH Variant Curation Expert Panel has cited clinical-significance assessments for this variant to ClinVar after 2014 and has classified the variant as likely pathogenic. Based on the evidence outlined above, the variant was classified as pathogenic.

Baylor Genetics
Classification: Likely pathogenic for Phenylketonuria. Last evaluated: 2023-06-02. Review status: criteria provided, single submitter. Criteria: ACMG Guidelines, 2015. Collection method: clinical testing. Allele origin: unknown. Not counted in ClinVar's aggregate classification.

DeBelle Laboratory for Biochemical Genetics, MUHC/MCH RESEARCH INSTITUTE
No classification provided. Review status: no classification provided. Collection method: not provided. Allele origin: not provided. Not counted in ClinVar's aggregate classification.

Literature cited by the submitters: PubMed 15300621 (cited by ClinGen PAH Variant Curation Expert Panel and Women's Health and Genetics/Laboratory Corporation of America, LabCorp); PubMed 23932990 (cited by ClinGen PAH Variant Curation Expert Panel); PubMed 26503515 (cited by Women's Health and Genetics/Laboratory Corporation of America, LabCorp); PubMed 29499199 (cited by Women's Health and Genetics/Laboratory Corporation of America, LabCorp); PubMed 32668217 (cited by Women's Health and Genetics/Laboratory Corporation of America, LabCorp); PubMed 34653385 (cited by Women's Health and Genetics/Laboratory Corporation of America, LabCorp).

NM_000277.3(PAH):c.827T>G (p.Met276Arg)

Gene: PAH (phenylalanine hydroxylase; minus strand). Cytogenetic location: 12q23.2.
Variant type: single nucleotide variant.
Coding change: c.827T>G on transcript NM_000277.3 (MANE Select); coding-DNA position 827, T replaced by G.
Protein change: p.Met276Arg; replaces methionine 276 with arginine.
Molecular consequence: missense variant.
Genome position (GRCh38, 1-based): chr12:102,852,830, A>C on the plus strand (T>G on the coding strand, the complement: PAH is on the minus strand). VCF-style: chr12-102852830-A-C. GRCh37 (hg19) VCF-style: chr12-103246608-A-C.
Other names: c.827T>G, p.Met276Arg (NM_001354304.2); short protein forms M276R.
Identifiers: ClinVar variation 102858 (VCV000102858.4), dbSNP rs62508722, ClinGen allele CA229797.
Genomic context (GRCh38, chr12:102,852,830, plus strand): 5'-GCGCTCATTGTGCCTGGCAACTGGTAGCTGGAGGACAGTACTCACGGTTCGGGGGTATAC[A>C]TGGGCTTGGATCCATGTCTGATGTACTGTGTGCAGTGGAAGACTCGGAAGGCCAGGCCAC-3'
Protein context (NP_000268.1, residues 266-286): TQYIRHGSKP[Met276Arg]YTPEPDICHE